The following is an entry in ClinVar:

NM_000891.3(KCNJ2):c.460T>C (p.Cys154Arg)

Gene: KCNJ2 (potassium inwardly rectifying channel subfamily J member 2; plus strand). Cytogenetic location: 17q24.3.
Variant type: single nucleotide variant.
Coding change: c.460T>C on transcript NM_000891.3 (MANE Select); coding-DNA position 460, T replaced by C.
Protein change: p.Cys154Arg; replaces cysteine 154 with arginine.
Molecular consequence: missense variant.
Genome position (GRCh38, 1-based): chr17:70,175,499, T>C. VCF-style: chr17-70175499-T-C. GRCh37 (hg19) VCF-style: chr17-68171640-T-C.
Other names: short protein forms C154R.
Identifiers: ClinVar variation 3755221 (VCV003755221.2).
Genomic context (GRCh38, chr17:70,175,499, plus strand): 5'-CTCTTCTCCATTGAGACCCAGACAACCATAGGCTATGGTTTCAGATGTGTCACGGATGAA[T>C]GCCCAATTGCTGTTTTCATGGTGGTGTTCCAGTCAATCGTGGGCTGCATCATCGATGCTT-3'
Protein context (NP_000882.1, residues 144-164): GYGFRCVTDE[Cys154Arg]PIAVFMVVFQ

ClinVar aggregate classification (germline): Uncertain significance (1 of 4 stars; one submission).

Conditions:
Andersen Tawil syndrome (LQT7). Also called: ANDERSEN CARDIODYSRHYTHMIC PERIODIC PARALYSIS; LONG QT SYNDROME 7; PERIODIC PARALYSIS, POTASSIUM-SENSITIVE CARDIODYSRHYTHMIC TYPE; Andersen Syndrome; Potassium-sensitive periodic paralysis, ventricular ectopy, and dysmorphic features. Identifiers: Orphanet 37553, MedGen C1563715, MONDO:0008222, OMIM 170390.
Short QT syndrome type 3. Identifiers: Orphanet 51083, MedGen C1865018, MONDO:0012314, OMIM 609622.

Submission:

Labcorp Genetics (formerly Invitae), Labcorp
Classification: Uncertain significance for Short QT syndrome type 3; Andersen Tawil syndrome. Last evaluated: 2024-03-11. Review status: criteria provided, single submitter. Criteria: Invitae Variant Classification Sherloc (09022015). Collection method: clinical testing. Allele origin: germline.
Comment: This sequence change replaces cysteine, which is neutral and slightly polar, with arginine, which is basic and polar, at codon 154 of the KCNJ2 protein (p.Cys154Arg). This variant is not present in population databases (gnomAD no frequency). This variant has not been reported in the literature in individuals affected with KCNJ2-related conditions. Advanced modeling of protein sequence and biophysical properties (such as structural, functional, and spatial information, amino acid conservation, physicochemical variation, residue mobility, and thermodynamic stability) performed at Invitae indicates that this missense variant is expected to disrupt KCNJ2 protein function with a positive predictive value of 80%. This variant disrupts the p.Cys154 amino acid residue in KCNJ2. Other variant(s) that disrupt this residue have been determined to be pathogenic (PMID: 19570891; Invitae). This suggests that this residue is clinically significant, and that variants that disrupt this residue are likely to be disease-causing. In summary, the available evidence is currently insufficient to determine the role of this variant in disease. Therefore, it has been classified as a Variant of Uncertain Significance.

Literature cited by the submitters: PubMed 19570891.